The following is an entry in ClinVar:

NM_138927.4(SON):c.1465G>T (p.Val489Leu)

Genes: MIR6501 (microRNA 6501; plus strand), SON (SON DNA and RNA binding protein; plus strand). Cytogenetic location: 21q22.11.
Variant type: single nucleotide variant.
Coding change: c.1465G>T on transcript NM_138927.4 (MANE Select); coding-DNA position 1465, G replaced by T.
Protein change: p.Val489Leu; replaces valine 489 with leucine.
Molecular consequence: missense variant. On other transcripts: non-coding transcript variant (2), intron variant (1).
Genome position (GRCh38, 1-based): chr21:33,550,696, G>T. VCF-style: chr21-33550696-G-T. GRCh37 (hg19) VCF-style: chr21-34923002-G-T.
Other names: c.1465G>T, p.Val489Leu (NM_001291411.2, NM_001412133.1, NM_032195.3 and 2 more transcripts); c.244+4317G>T (NM_001291412.3); c.1465G>T (NM_138927.2); short protein forms V489L.
Identifiers: ClinVar variation 2174408 (VCV002174408.6), dbSNP rs192269145, ClinGen allele CA10008899.

ClinVar aggregate classification (germline): Likely benign. Review status: criteria provided, single submitter (1 of 4 stars). 2 submissions from 2 submitters: Likely benign (1). 1 of the submissions does not count toward it. Last evaluated 2024-04-22.

Conditions:
SON-related disorder. Also called: SON-related condition.

Allele frequency attached by ClinVar (database versions not stated): gnomAD 0.00003; TOPMed 0.00006; ExAC 0.00008; 1000 Genomes Project 30x 0.00031; 1000 Genomes Project 0.00040.
gnomAD v4.1: 29 of 1,613,504 alleles (0.0018%); highest among the groups gnomAD compares: East Asian, 0.056%; no homozygotes.

Submissions (2):

Labcorp Genetics (formerly Invitae), Labcorp
Classification: Likely benign. Last evaluated: 2024-04-22. Review status: criteria provided, single submitter. Criteria: Invitae Variant Classification Sherloc (09022015). Collection method: clinical testing. Allele origin: germline.

PreventionGenetics, part of Exact Sciences
Classification: Likely benign for SON-related condition. Last evaluated: 2021-02-23. Review status: no assertion criteria provided. Collection method: clinical testing. Allele origin: germline. Not counted in ClinVar's aggregate classification.
Comment: This variant is classified as likely benign based on ACMG/AMP sequence variant interpretation guidelines (Richards et al. 2015 PMID: 25741868, with internal and published modifications).